The following is an entry in ClinVar:

ClinVar aggregate classification (germline): Benign (1 of 4 stars; one submission).

Conditions:
Macular corneal dystrophy (MCD). Also called: GROENOUW TYPE II CORNEAL DYSTROPHY; Macular corneal dystrophy Type I. Identifiers: Orphanet 98969, MedGen C1636149, MONDO:0009020, OMIM 217800.

Allele frequency attached by ClinVar (database versions not stated): TOPMed 0.00458; 1000 Genomes Project 30x 0.00593; gnomAD 0.00595 and 0.00607; 1000 Genomes Project 0.00739.

Submission:

Illumina Laboratory Services, Illumina
Classification: Benign for Macular corneal dystrophy. Last evaluated: 2018-01-13. Review status: criteria provided, single submitter. Criteria: ICSL Variant Classification Criteria 13 December 2019. Collection method: clinical testing. Allele origin: germline.
Comment: This variant was observed in the ICSL laboratory as part of a predisposition screen in an ostensibly healthy population. It had not been previously curated by ICSL or reported in the Human Gene Mutation Database (HGMD: prior to June 1st, 2018), and was therefore a candidate for classification through an automated scoring system. Utilizing variant allele frequency, disease prevalence and penetrance estimates, and inheritance mode, an automated score was calculated to assess if this variant is too frequent to cause the disease. Based on the score and internal cut-off values, a variant classified as benign is not then subjected to further curation. The score for this variant resulted in a classification of benign for this disease.

NM_021615.5(CHST6):c.*2833T>G

Gene: CHST6 (carbohydrate sulfotransferase 6; minus strand). Cytogenetic location: 16q23.1.
Variant type: single nucleotide variant.
Coding change: c.*2833T>G on transcript NM_021615.5 (MANE Select); 2833 bases downstream of the stop codon, T replaced by G.
Molecular consequence: 3 prime UTR variant.
Genome position (GRCh38, 1-based): chr16:75,475,808, A>C on the plus strand (T>G on the coding strand, the complement: CHST6 is on the minus strand). VCF-style: chr16-75475808-A-C. GRCh37 (hg19) VCF-style: chr16-75509706-A-C.
Identifiers: ClinVar variation 888067 (VCV000888067.4), dbSNP rs149981556, ClinGen allele CA283850896.